The following is an entry in ClinVar:

NM_005629.4(SLC6A8):c.537C>T (p.Pro179=)

Gene: SLC6A8 (solute carrier family 6 member 8; plus strand). Cytogenetic location: Xq28.
Variant type: single nucleotide variant.
Coding change: c.537C>T on transcript NM_005629.4 (MANE Select); coding-DNA position 537, C replaced by T.
Protein change: p.Pro179=; no amino-acid change (proline 179 retained).
Molecular consequence: synonymous variant.
Genome position (GRCh38, 1-based): chrX:153,691,446, C>T. VCF-style: chrX-153691446-C-T. GRCh37 (hg19) VCF-style: chrX-152956901-C-T.
Other names: c.537C>T, p.Pro179= (NM_001142805.2); c.192C>T, p.Pro64= (NM_001142806.1).
Identifiers: ClinVar variation 698597 (VCV000698597.35), dbSNP rs202136567, ClinGen allele CA10549203.
Genomic context (GRCh38, chrX:153,691,446, plus strand): 5'-GGTCAAGTCCTTTACCACCACGCTGCCCTGGGCCACATGTGGCCACACCTGGAACACTCC[C>T]GACTGCGTGGAGATCTTCCGCCATGAAGACTGTGCCAATGCCAGCCTGGCCAACCTCACC-3'
Protein context (NP_005620.1, residues 169-189): WATCGHTWNT[Pro179=]DCVEIFRHED

ClinVar aggregate classification (germline): Benign/Likely benign. Review status: criteria provided, multiple submitters, no conflicts (2 of 4 stars). 3 submissions from 3 submitters: Benign (1); Likely benign (1). 1 of the submissions does not count toward it. Last evaluated 2025-12-17.

Conditions:
Creatine deficiency syndrome 1.
Creatine transporter deficiency (CCDS1). Also called: CEREBRAL CREATINE DEFICIENCY SYNDROME 1; SLC6A8-Related Creatine Transporter Deficiency; CREATINE TRANSPORTER DEFECT; Mental retardation , X-linked with seizures, short stature and midface hypoplasia; Mental retardation , X-linked, with creatine transport deficiency; X-linked creatine transporter deficiency. Identifiers: Orphanet 52503, MedGen C1845862, MONDO:0010305, OMIM 300352.

Allele frequency attached by ClinVar (database versions not stated): gnomAD 0.00002 and 0.00004; TOPMed 0.00005; ExAC 0.00008; gnomAD exomes 0.00011; 1000 Genomes Project 30x 0.00042; 1000 Genomes Project 0.00053.

Submissions (3):

Labcorp Genetics (formerly Invitae), Labcorp
Classification: Benign for Creatine transporter deficiency. Last evaluated: 2025-12-17. Review status: criteria provided, single submitter. Criteria: Invitae Variant Classification Sherloc (09022015). Collection method: clinical testing. Allele origin: germline.

CeGaT Center for Human Genetics Tuebingen
Classification: Likely benign. Last evaluated: 2023-01-01. Review status: criteria provided, single submitter. Criteria: CeGaT Center For Human Genetics Tuebingen Variant Classification Criteria Version 2. Collection method: clinical testing. Allele origin: germline. Affected: yes. Observed: 1 variant allele.
Comment: SLC6A8: BP4, BP7, BS2

Natera, Inc.
Classification: Likely benign for Creatine deficiency syndrome 1. Last evaluated: 2020-02-03. Review status: no assertion criteria provided. Collection method: clinical testing. Allele origin: germline. Not counted in ClinVar's aggregate classification.